The following is an entry in ClinVar:

NM_006371.5(CRTAP):c.473C>G (p.Ala158Gly)

Gene: CRTAP (cartilage associated protein; plus strand). Cytogenetic location: 3p22.3.
Variant type: single nucleotide variant.
Coding change: c.473C>G on transcript NM_006371.5 (MANE Select); coding-DNA position 473, C replaced by G.
Protein change: p.Ala158Gly; replaces alanine 158 with glycine.
Molecular consequence: missense variant. On other transcripts: intron variant (1).
Genome position (GRCh38, 1-based): chr3:33,120,345, C>G. VCF-style: chr3-33120345-C-G. GRCh37 (hg19) VCF-style: chr3-33161837-C-G.
Other names: c.473C>G, p.Ala158Gly (NM_001393363.1, NM_001393364.1); c.472-4063C>G (NM_001393365.1); short protein forms A158G.
Identifiers: ClinVar variation 1939022 (VCV001939022.2), dbSNP rs2471568820, ClinGen allele CA352008936.
Genomic context (GRCh38, chr3:33,120,345, plus strand): 5'-TTTACAAAAATTACCACTTAGCATCCATGGAGTAGCTTTTATGTTCTTTGTCCTTTTAGG[C>G]AAATAATCTCCCCAAAGCCATCGCCGCTGCTCACACCTTTCTACTGAAGCATCCTGATGA-3'
Protein context (NP_006362.1, residues 148-168): YKFLQFAYFK[Ala158Gly]NNLPKAIAAA

ClinVar aggregate classification (germline): Uncertain significance (1 of 4 stars; one submission).

Conditions:
Osteogenesis imperfecta type 7 (OI7). Also called: OSTEOGENESIS IMPERFECTA, TYPE IIB; OI type 7; OI type VII; Osteogenesis imperfecta type 2B; OI type 2B; Osteogenesis imperfecta, perinatal lethal autosomal recessive. Identifiers: MedGen C1853162, MONDO:0012536, OMIM 610682.

Allele frequency attached by ClinVar (database versions not stated): gnomAD exomes below 0.00001.

Submission:

Labcorp Genetics (formerly Invitae), Labcorp
Classification: Uncertain significance for Osteogenesis imperfecta type 7. Last evaluated: 2022-06-26. Review status: criteria provided, single submitter. Criteria: Invitae Variant Classification Sherloc (09022015). Collection method: clinical testing. Allele origin: germline.
Comment: This sequence change replaces alanine, which is neutral and non-polar, with glycine, which is neutral and non-polar, at codon 158 of the CRTAP protein (p.Ala158Gly). This variant is not present in population databases (gnomAD no frequency). This variant has not been reported in the literature in individuals affected with CRTAP-related conditions. Algorithms developed to predict the effect of missense changes on protein structure and function (SIFT, PolyPhen-2, Align-GVGD) all suggest that this variant is likely to be tolerated. In summary, the available evidence is currently insufficient to determine the role of this variant in disease. Therefore, it has been classified as a Variant of Uncertain Significance.